The following is an entry in ClinVar:

NM_024640.4(YRDC):c.246G>A (p.Val82=)

Genes: C1orf122 (chromosome 1 open reading frame 122; plus strand), YRDC (yrdC N6-threonylcarbamoyltransferase domain containing; minus strand), LOC129930167 (ATAC-STARR-seq lymphoblastoid silent region 680; plus strand). Cytogenetic location: 1p34.3.
Variant type: single nucleotide variant.
Coding change: c.246G>A on transcript NM_024640.4 (MANE Select); coding-DNA position 246, G replaced by A.
Protein change: p.Val82=; no amino-acid change (valine 82 retained).
Molecular consequence: synonymous variant. On other transcripts: 5 prime UTR variant (2).
Genome position (GRCh38, 1-based): chr1:37,807,935, C>T on the plus strand (G>A on the coding strand, the complement: YRDC is on the minus strand). VCF-style: chr1-37807935-C-T. GRCh37 (hg19) VCF-style: chr1-38273607-C-T.
Other names: c.-526C>T (NM_001142726.2); c.-470C>T (NM_198446.3).
Identifiers: ClinVar variation 3031282 (VCV003031282.2), dbSNP rs1263619284, ClinGen allele CA417268478.

ClinVar aggregate classification (germline): Likely benign (0 of 4 stars; one submission).

Conditions:
YRDC-related disorder. Also called: YRDC-related condition.

gnomAD v4.1: 34 of 1,243,870 alleles (0.0027%); highest among the groups gnomAD compares: Non-Finnish European, 0.0031%; no homozygotes.

Submission:

PreventionGenetics, part of Exact Sciences
Classification: Likely benign for YRDC-related condition. Last evaluated: 2022-12-20. Review status: no assertion criteria provided. Collection method: clinical testing. Allele origin: germline.
Comment: This variant is classified as likely benign based on ACMG/AMP sequence variant interpretation guidelines (Richards et al. 2015 PMID: 25741868, with internal and published modifications).